The following is an entry in ClinVar:

NM_139281.3(WDR36):c.115C>G (p.Arg39Gly)

Genes: WDR36 (WD repeat domain 36; plus strand), LOC129994346 (ATAC-STARR-seq lymphoblastoid active region 22888; plus strand). Cytogenetic location: 5q22.1.
Variant type: single nucleotide variant.
Coding change: c.115C>G on transcript NM_139281.3 (MANE Select); coding-DNA position 115, C replaced by G.
Protein change: p.Arg39Gly; replaces arginine 39 with glycine.
Molecular consequence: missense variant.
Genome position (GRCh38, 1-based): chr5:111,092,571, C>G. VCF-style: chr5-111092571-C-G. GRCh37 (hg19) VCF-style: chr5-110428269-C-G.
Other names: short protein forms R39G.
Identifiers: ClinVar variation 2201679 (VCV002201679.4), dbSNP rs772030651, ClinGen allele CA3365150.

ClinVar aggregate classification (germline): Uncertain significance (1 of 4 stars; one submission).

Allele frequency attached by ClinVar (database versions not stated): gnomAD 0.00002; ExAC 0.00015; 1000 Genomes Project 30x 0.00031.

Submission:

Labcorp Genetics (formerly Invitae), Labcorp
Classification: Uncertain significance. Last evaluated: 2022-09-23. Review status: criteria provided, single submitter. Criteria: Invitae Variant Classification Sherloc (09022015). Collection method: clinical testing. Allele origin: germline.
Comment: This sequence change replaces arginine, which is basic and polar, with glycine, which is neutral and non-polar, at codon 95 of the WDR36 protein (p.Arg95Gly). This variant is present in population databases (rs772030651, gnomAD 0.03%). This missense change has been observed in individual(s) with glaucoma (PMID: 24825108, 32476818). Algorithms developed to predict the effect of missense changes on protein structure and function (SIFT, PolyPhen-2, Align-GVGD) all suggest that this variant is likely to be tolerated. In summary, the available evidence is currently insufficient to determine the role of this variant in disease. Therefore, it has been classified as a Variant of Uncertain Significance.

Literature cited by the submitters: PubMed 24825108; PubMed 32476818.